The following is an entry in ClinVar:

ClinVar aggregate classification (germline): Uncertain significance. Review status: criteria provided, multiple submitters, no conflicts (2 of 4 stars). 2 submissions from 2 submitters: Uncertain significance (2). Last evaluated 2025-11-03.

Conditions:
Inborn genetic diseases. Identifiers: MedGen C0950123, MeSH D030342.

Allele frequency attached by ClinVar (database versions not stated): TOPMed 0.00002; ExAC 0.00004; gnomAD 0.00003.
gnomAD v4.1: 48 of 1,611,860 alleles (0.003%); highest among the groups gnomAD compares: African/African-American, 0.0027%; no homozygotes.

Submissions (2):

Labcorp Genetics (formerly Invitae), Labcorp
Classification: Uncertain significance. Last evaluated: 2025-11-03. Review status: criteria provided, single submitter. Criteria: Invitae Variant Classification Sherloc (09022015). Collection method: clinical testing. Allele origin: germline.
Comment: This sequence change replaces isoleucine, which is neutral and non-polar, with threonine, which is neutral and polar, at codon 311 of the FOCAD protein (p.Ile311Thr). This variant is present in population databases (rs767334883, gnomAD 0.09%), and has an allele count higher than expected for a pathogenic variant. This variant has not been reported in the literature in individuals affected with FOCAD-related conditions. ClinVar contains an entry for this variant (Variation ID: 2399378). Experimental studies and prediction algorithms are not available or were not evaluated, and the functional significance of this variant is currently unknown. In summary, the available evidence is currently insufficient to determine the role of this variant in disease. Therefore, it has been classified as a Variant of Uncertain Significance.

Ambry Genetics
Classification: Uncertain significance for Inborn genetic diseases. Last evaluated: 2022-05-11. Review status: criteria provided, single submitter. Criteria: Ambry Variant Classification Scheme 2023. Collection method: clinical testing. Allele origin: germline.

NM_001375567.1(FOCAD):c.932T>C (p.Ile311Thr)

Gene: FOCAD (focadhesin; plus strand). Cytogenetic location: 9p21.3.
Variant type: single nucleotide variant.
Coding change: c.932T>C on transcript NM_001375567.1 (MANE Select); coding-DNA position 932, T replaced by C.
Protein change: p.Ile311Thr; replaces isoleucine 311 with threonine.
Molecular consequence: missense variant.
Genome position (GRCh38, 1-based): chr9:20,778,706, T>C. VCF-style: chr9-20778706-T-C. GRCh37 (hg19) VCF-style: chr9-20778705-T-C.
Other names: c.932T>C, p.Ile311Thr (NM_001375568.1, NM_017794.5); c.827T>C, p.Ile276Thr (NM_001375570.1); short protein forms I276T, I311T.
Identifiers: ClinVar variation 2399378 (VCV002399378.4), dbSNP rs767334883, ClinGen allele CA5006546.
Genomic context (GRCh38, chr9:20,778,706, plus strand): 5'-TTTAACAACTCCTTTTTCCCCCTCTATTCTTTTAGGATTTTCCTGTTGAACTGGTCATAA[T>C]TGGAATAGCTTTACTACTTCTACAGACTCCAGCAAGTCAGCAGAAGCCAATCTTAAATCT-3'
Protein context (NP_001362496.1, residues 301-321): KEDFPVELVI[Ile311Thr]GIALLLLQTP